The following is an entry in ClinVar:

NM_001243177.4(ALDOA):c.1033C>A (p.Pro345Thr)

Genes: ALDOA (aldolase, fructose-bisphosphate A; plus strand), LOC112694756 (uncharaterized LOC112694756; plus strand). Cytogenetic location: 16p11.2.
Variant type: single nucleotide variant.
Coding change: c.1033C>A on transcript NM_001243177.4 (MANE Select); coding-DNA position 1033, C replaced by A.
Protein change: p.Pro345Thr; replaces proline 345 with threonine.
Molecular consequence: missense variant. On other transcripts: 3 prime UTR variant (3).
Genome position (GRCh38, 1-based): chr16:30,069,901, C>A. VCF-style: chr16-30069901-C-A. GRCh37 (hg19) VCF-style: chr16-30081222-C-A.
Other names: c.*1380C>A (NM_001365304.2, NM_001365305.2, NM_001365307.2); c.871C>A, p.Pro291Thr (NM_001127617.2, NM_184041.5, NM_184043.2); short protein forms P291T, P345T.
Identifiers: ClinVar variation 1951259 (VCV001951259.5), dbSNP rs1283651383, ClinGen allele CA395493761.

ClinVar aggregate classification (germline): Uncertain significance (1 of 4 stars; one submission).

Conditions:
HNSHA due to aldolase A deficiency (GSD12). Also called: GLYCOGEN STORAGE DISEASE XII; GSD XII; RED CELL ALDOLASE DEFICIENCY; Glycogen storage disease due to aldolase A deficiency. Identifiers: Orphanet 57, MedGen C0272066, MONDO:0012747, OMIM 611881.

Submission:

Labcorp Genetics (formerly Invitae), Labcorp
Classification: Uncertain significance for HNSHA due to aldolase A deficiency. Last evaluated: 2022-04-04. Review status: criteria provided, single submitter. Criteria: Invitae Variant Classification Sherloc (09022015). Collection method: clinical testing. Allele origin: germline.
Comment: In summary, the available evidence is currently insufficient to determine the role of this variant in disease. Therefore, it has been classified as a Variant of Uncertain Significance. Algorithms developed to predict the effect of missense changes on protein structure and function (SIFT, PolyPhen-2, Align-GVGD) all suggest that this variant is likely to be tolerated. This variant has not been reported in the literature in individuals affected with ALDOA-related conditions. This variant is not present in population databases (gnomAD no frequency). This sequence change replaces proline, which is neutral and non-polar, with threonine, which is neutral and polar, at codon 291 of the ALDOA protein (p.Pro291Thr).